The following is an entry in ClinVar:

ClinVar aggregate classification (germline): Uncertain significance (1 of 4 stars; one submission).

Conditions:
Cardiomyopathy (CMYO). Also called: Cardiomyopathies. Identifiers: Orphanet 167848, MedGen C0878544, MONDO:0004994, HP:0001638. Inheritance: Various modes of inheritance.

Submission:

Color Diagnostics, LLC DBA Color Health
Classification: Uncertain significance for Cardiomyopathy. Last evaluated: 2025-06-09. Review status: criteria provided, single submitter. Criteria: ACMG Guidelines, 2015. Collection method: clinical testing. Allele origin: germline.
Comment: This missense variant replaces asparagine with tyrosine at codon 209 of the LMNA protein. Computational prediction suggests that this variant may have deleterious impact on protein structure and function. To our knowledge, functional studies have not been reported for this variant. This variant has not been reported in individuals affected with LMNA-related disorders in the literature. This variant has not been identified in the general population by the Genome Aggregation Database (gnomAD). The available evidence is insufficient to determine the role of this variant in disease conclusively. Therefore, this variant is classified as a Variant of Uncertain Significance.

NM_170707.4(LMNA):c.625A>T (p.Asn209Tyr)

Gene: LMNA (lamin A/C; plus strand). Cytogenetic location: 1q22.
Variant type: single nucleotide variant.
Coding change: c.625A>T on transcript NM_170707.4 (MANE Select); coding-DNA position 625, A replaced by T.
Protein change: p.Asn209Tyr; replaces asparagine 209 with tyrosine.
Molecular consequence: missense variant. On other transcripts: 5 prime UTR variant (4).
Genome position (GRCh38, 1-based): chr1:156,134,514, A>T. VCF-style: chr1-156134514-A-T. GRCh37 (hg19) VCF-style: chr1-156104305-A-T.
Other names: c.289A>T, p.Asn97Tyr (NM_001257374.3, NM_001406998.1, NM_001406989.1); c.382A>T, p.Asn128Tyr (NM_001282624.2, NM_001406986.1, NM_001406987.1); c.625A>T, p.Asn209Tyr (NM_001282625.2, NM_001282626.2, NM_001406983.1 and 6 more transcripts); c.67A>T, p.Asn23Tyr (NM_001406996.1, NM_001406997.1, NM_001407002.1 and 4 more transcripts); c.-40A>T (NM_001406999.1, NM_001407000.1, NM_001407001.1 and 1 more transcripts); c.328A>T, p.Asn110Tyr (NM_001406988.1); short protein forms N110Y, N128Y, N209Y, N23Y, N97Y.
Identifiers: ClinVar variation 4758808 (VCV004758808.1).